The following is an entry in ClinVar:

NM_017780.4(CHD7):c.4277A>G (p.Asp1426Gly)

Gene: CHD7 (chromodomain helicase DNA binding protein 7; plus strand). Cytogenetic location: 8q12.2.
Variant type: single nucleotide variant.
Coding change: c.4277A>G on transcript NM_017780.4 (MANE Select); coding-DNA position 4277, A replaced by G.
Protein change: p.Asp1426Gly; replaces aspartic acid 1426 with glycine.
Molecular consequence: missense variant. On other transcripts: intron variant (1).
Genome position (GRCh38, 1-based): chr8:60,837,759, A>G. VCF-style: chr8-60837759-A-G. GRCh37 (hg19) VCF-style: chr8-61750318-A-G.
Other names: c.1717-24470A>G (NM_001316690.1); short protein forms D1426G.
Identifiers: ClinVar variation 938387 (VCV000938387.9), dbSNP rs1804802453, ClinGen allele CA371317855.

ClinVar aggregate classification (germline): Uncertain significance (1 of 4 stars; one submission).

Conditions:
CHARGE syndrome (CHARGE). Also called: Hittner Hirsch Kreh syndrome; Coloboma, heart anomaly, choanal atresia, retardation, genital and ear anomalies; CHARGE association; Hall-Hittner syndrome; CHARGE ASSOCIATION--COLOBOMA, HEART ANOMALY, CHOANAL ATRESIA, RETARDATION, GENITAL AND EAR ANOMALIES. Identifiers: Orphanet 138, MedGen C0265354, MONDO:0008965.

Allele frequency attached by ClinVar (database versions not stated): gnomAD exomes below 0.00001.
gnomAD v4.1: 2 of 1,613,414 alleles (0.00012%); highest among the groups gnomAD compares: Non-Finnish European, 0.00017%; no homozygotes.

Submission:

Labcorp Genetics (formerly Invitae), Labcorp
Classification: Uncertain significance for CHARGE syndrome. Last evaluated: 2019-07-02. Review status: criteria provided, single submitter. Criteria: Invitae Variant Classification Sherloc (09022015). Collection method: clinical testing. Allele origin: germline.
Comment: This sequence change replaces aspartic acid with glycine at codon 1426 of the CHD7 protein (p.Asp1426Gly). The aspartic acid residue is highly conserved and there is a moderate physicochemical difference between aspartic acid and glycine. This variant is not present in population databases (ExAC no frequency). This variant has not been reported in the literature in individuals with CHD7-related conditions. Algorithms developed to predict the effect of missense changes on protein structure and function (SIFT, PolyPhen-2, Align-GVGD) all suggest that this variant is likely to be disruptive, but these predictions have not been confirmed by published functional studies and their clinical significance is uncertain. In summary, the available evidence is currently insufficient to determine the role of this variant in disease. Therefore, it has been classified as a Variant of Uncertain Significance.